The following is an entry in ClinVar:

ClinVar aggregate classification (germline): Uncertain significance (1 of 4 stars; one submission).

gnomAD v4.1: 1 of 1,546,526 alleles (0.000065%); highest among the groups gnomAD compares: Non-Finnish European, 0.000087%; no homozygotes.

Submission:

Dasa
Classification: Uncertain significance. Last evaluated: 2026-04-06. Review status: criteria provided, single submitter. Criteria: DASA Assertion Criteria. Collection method: clinical testing. Allele origin: germline.
Comment: NM_198291.3(SRC):c.1415G>A (p.Arg472His) is a missense variant that results in the substitution of arginine with histidine. This variant is rare in population databases. The currently available literature and clinical evidence are not sufficient to establish a definitive association between this variant and the reported condition. Therefore, this variant is classified as a variant of uncertain significance.

NM_198291.3(SRC):c.1415G>A (p.Arg472His)

Gene: SRC (SRC proto-oncogene, non-receptor tyrosine kinase; plus strand). Cytogenetic location: 20q11.23.
Variant type: single nucleotide variant.
Coding change: c.1415G>A on transcript NM_198291.3 (MANE Select); coding-DNA position 1415, G replaced by A.
Protein change: p.Arg472His; replaces arginine 472 with histidine.
Molecular consequence: missense variant.
Genome position (GRCh38, 1-based): chr20:37,403,183, G>A. VCF-style: chr20-37403183-G-A. GRCh37 (hg19) VCF-style: chr20-36031586-G-A.
Other names: c.1415G>A, p.Arg472His (NM_005417.5); short protein forms R472H.
Identifiers: ClinVar variation 5020676 (VCV005020676.1).
Genomic context (GRCh38, chr20:37,403,183, plus strand): 5'-CACTTTCCTCACCGGAGCCGGGCTCCCCATGCCTCGCTCTGCCCACAGGGATGGTGAACC[G>A]CGAGGTGCTGGACCAGGTGGAGCGGGGCTACCGGATGCCCTGCCCGCCGGAGTGTCCCGA-3'
Protein context (NP_938033.1, residues 462-482): GRVPYPGMVN[Arg472His]EVLDQVERGY